The following is an entry in ClinVar:

NM_032444.4(SLX4):c.2363A>G (p.Gln788Arg)

Gene: SLX4 (SLX4 structure-specific endonuclease subunit; minus strand). Cytogenetic location: 16p13.3.
Variant type: single nucleotide variant.
Coding change: c.2363A>G on transcript NM_032444.4 (MANE Select); coding-DNA position 2363, A replaced by G.
Protein change: p.Gln788Arg; replaces glutamine 788 with arginine.
Molecular consequence: missense variant.
Genome position (GRCh38, 1-based): chr16:3,591,275, T>C on the plus strand (A>G on the coding strand, the complement: SLX4 is on the minus strand). VCF-style: chr16-3591275-T-C. GRCh37 (hg19) VCF-style: chr16-3641276-T-C.
Other names: short protein forms Q788R.
Identifiers: ClinVar variation 2814037 (VCV002814037.3), dbSNP rs748659860, ClinGen allele CA7866168.

ClinVar aggregate classification (germline): Uncertain significance (1 of 4 stars; one submission).

Conditions:
Fanconi anemia (FA). Also called: Fanconi's anemia. Identifiers: Orphanet 84, MedGen C0015625, MeSH D005199, MONDO:0019391.

Allele frequency attached by ClinVar (database versions not stated): TOPMed below 0.00001; ExAC 0.00001.

Submission:

Labcorp Genetics (formerly Invitae), Labcorp
Classification: Uncertain significance for Fanconi anemia. Last evaluated: 2023-07-03. Review status: criteria provided, single submitter. Criteria: Invitae Variant Classification Sherloc (09022015). Collection method: clinical testing. Allele origin: germline.
Comment: This sequence change replaces glutamine, which is neutral and polar, with arginine, which is basic and polar, at codon 788 of the SLX4 protein (p.Gln788Arg). This variant is not present in population databases (gnomAD no frequency). This variant has not been reported in the literature in individuals affected with SLX4-related conditions. Algorithms developed to predict the effect of missense changes on protein structure and function output the following: SIFT: "Not Available"; PolyPhen-2: "Probably Damaging"; Align-GVGD: "Not Available". The arginine amino acid residue is found in multiple mammalian species, which suggests that this missense change does not adversely affect protein function. In summary, the available evidence is currently insufficient to determine the role of this variant in disease. Therefore, it has been classified as a Variant of Uncertain Significance.